The following is an entry in ClinVar:

NM_003611.3(OFD1):c.34G>T (p.Asp12Tyr)

Genes: OFD1 (OFD1 centriole and centriolar satellite protein; plus strand), LOC126863212 (CDK7 strongly-dependent group 2 enhancer GRCh37_chrX:13752241-13753440; plus strand). Cytogenetic location: Xp22.2.
Variant type: single nucleotide variant.
Coding change: c.34G>T on transcript NM_003611.3 (MANE Select); coding-DNA position 34, G replaced by T.
Protein change: p.Asp12Tyr; replaces aspartic acid 12 with tyrosine.
Molecular consequence: missense variant. On other transcripts: 5 prime UTR variant (1).
Genome position (GRCh38, 1-based): chrX:13,735,269, G>T. VCF-style: chrX-13735269-G-T. GRCh37 (hg19) VCF-style: chrX-13753388-G-T.
Other names: c.34G>T, p.Asp12Tyr (NM_001330209.2); c.-512G>T (NM_001330210.2); short protein forms D12Y.
Identifiers: ClinVar variation 2939374 (VCV002939374.3), dbSNP rs2518742999, ClinGen allele CA412331357.
Genomic context (GRCh38, chrX:13,735,269, plus strand): 5'-TCTGCCCCGCAGGTAACCTATAACCATTTTGTCTTTTAGTCCAACATGTTTACCGTGGCT[G>T]ATGTGTTGAGTCAAGATGAACTGCGCAAAAAGCTATACCAGACGTTTAAGGATCGGGGTA-3'
Protein context (NP_003602.1, residues 2-22): MAQSNMFTVA[Asp12Tyr]VLSQDELRKK

ClinVar aggregate classification (germline): Uncertain significance (1 of 4 stars; one submission).

Conditions:
Joubert syndrome. Also called: CEREBELLOPARENCHYMAL DISORDER IV; JOUBERT-BOLTSHAUSER SYNDROME; Familial aplasia of the vermis. Identifiers: Orphanet 475, MedGen C5979921, MONDO:0018772.
Orofaciodigital syndrome I (OFD1). Also called: OFDS I; Papillon-Leage and Psaume Syndrome; Oral-Facial-Digital Syndrome Type I. Identifiers: Orphanet 2750, MedGen C1510460, MONDO:0010702, OMIM 311200.

Submission:

Labcorp Genetics (formerly Invitae), Labcorp
Classification: Uncertain significance for Orofaciodigital syndrome I; Joubert syndrome. Last evaluated: 2024-10-28. Review status: criteria provided, single submitter. Criteria: Invitae Variant Classification Sherloc (09022015). Collection method: clinical testing. Allele origin: germline.
Comment: This sequence change replaces aspartic acid, which is acidic and polar, with tyrosine, which is neutral and polar, at codon 12 of the OFD1 protein (p.Asp12Tyr). This variant is not present in population databases (gnomAD no frequency). This variant has not been reported in the literature in individuals affected with OFD1-related conditions. Invitae Evidence Modeling of protein sequence and biophysical properties (such as structural, functional, and spatial information, amino acid conservation, physicochemical variation, residue mobility, and thermodynamic stability) has been performed for this missense variant. However, the output from this modeling did not meet the statistical confidence thresholds required to predict the impact of this variant on OFD1 protein function. In summary, the available evidence is currently insufficient to determine the role of this variant in disease. Therefore, it has been classified as a Variant of Uncertain Significance.